The following is an entry in ClinVar:

ClinVar aggregate classification (germline): Uncertain significance (1 of 4 stars; one submission).

Conditions:
Severe combined immunodeficiency due to DCLRE1C deficiency (RS-SCID). Also called: SCID, AUTOSOMAL RECESSIVE, T CELL-NEGATIVE, B CELL-NEGATIVE, NK CELL-POSITIVE, WITH SENSITIVITY TO IONIZING RADIATION. Identifiers: Orphanet 275, MedGen C1865371, MONDO:0011225, OMIM 602450.

Submission:

Labcorp Genetics (formerly Invitae), Labcorp
Classification: Uncertain significance for Severe combined immunodeficiency with sensitivity to ionizing radiation. Last evaluated: 2019-12-16. Review status: criteria provided, single submitter. Criteria: Invitae Variant Classification Sherloc (09022015). Collection method: clinical testing. Allele origin: germline.
Comment: This variant results in a copy number gain of the genomic region encompassing exons 1-4 of the DCLRE1C gene. The 5' end of this event is unknown as it extends beyond the assayed region for this gene and therefore may encompass additional genes. The 3' boundary is likely confined to intron 4 of the DCLRE1C gene, which includes the initiator codon. As the precise location of this event is unknown, it may be in tandem or it may be located elsewhere in the genome. This variant has not been reported in the literature in individuals with DCLRE1C-related conditions. In summary, the available evidence is currently insufficient to determine the role of this variant in disease. Therefore, it has been classified as a Variant of Uncertain Significance.

NC_000010.11:g.(?_14939790)_(14954030_?)dup

Gene: DCLRE1C (DNA cross-link repair 1C; minus strand). Cytogenetic location: 10p13.
Variant type: Duplication.
Identifiers: ClinVar variation 832444 (VCV000832444.2).